The following is an entry in ClinVar:

ClinVar aggregate classification (germline): Pathogenic/Likely pathogenic. Review status: criteria provided, multiple submitters, no conflicts (2 of 4 stars). 16 submissions from 16 submitters: Pathogenic (6); Likely pathogenic (7). 3 of the submissions do not count toward it. Last evaluated 2026-09-17.

Conditions:
FLG-related disorder. Also called: FLG-related disorders; FLG-related condition.
Dermatitis, atopic, 2. Identifiers: MedGen C1853965, MONDO:0011596, OMIM 605803.
Ichthyosis and erythrokeratoderma.
Inborn genetic diseases. Identifiers: MedGen C0950123, MeSH D030342.
Ichthyosis vulgaris. Also called: Dominant ichthyosis vulgaris; ICHTHYOSIS SIMPLEX. Identifiers: MedGen C0079584, MONDO:0024304, OMIM 146700.

Allele frequency attached by ClinVar (database versions not stated): ExAC 0.00055; ESP Exome Variant Server 0.00192; 1000 Genomes Project 0.00200; 1000 Genomes Project 30x 0.00203; gnomAD 0.00226 and 0.00246; TOPMed 0.00234.
gnomAD v4.1: 661 of 1,613,870 alleles (0.041%); highest among the groups gnomAD compares: African/African-American, 0.82%; 10 homozygotes.

Submissions (16):

Genetics Laboratory, Great Ormond Street Hospital NHS Foundation Trust, North Thames Genomic Laboratory Hub
Classification: Likely pathogenic for Ichthyosis and erythrokeratoderma. Last evaluated: 2026-09-17. Review status: criteria provided, single submitter. Criteria: ACGS Best Practice Guidelines for Variant Classification in Rare Disease 2024 v1.2. Collection method: clinical testing. Allele origin: germline. Affected: yes.
Comment: PS4_moderate, PVS1_strong

Ambry Genetics
Classification: Pathogenic for Inborn genetic diseases. Last evaluated: 2025-09-30. Review status: criteria provided, single submitter. Criteria: Ambry Variant Classification Scheme 2023. Collection method: clinical testing. Allele origin: germline.
Comment: The c.9947C>G (p.S3316*) alteration, located in exon 3 (coding exon 2) of the FLG gene, consists of a C to G substitution at nucleotide position 9947. This changes the amino acid from a serine (S) to a stop codon at amino acid position 3316. This variant is not expected to trigger nonsense-mediated mRNA decay and impacts the last 18% of the protein. Premature stop codons are typically deleterious in nature, the impacted region is critical for protein function (Ambry internal data), and a significant portion of the protein is affected (Ambry internal data). Based on data from gnomAD, the G allele has an overall frequency of 0.071% (201/282836) total alleles studied. The highest observed frequency was 0.778% (194/24942) of African alleles. Based on the available evidence, this alteration is classified as pathogenic.

MVZ Martinsried, Medicover Genetics
Classification: Likely pathogenic for Ichthyosis vulgaris. Last evaluated: 2025-09-17. Review status: criteria provided, single submitter. Criteria: ClinGen Variant Curation SOP V3.2 + Classification Guidance July2025. Collection method: clinical testing. Allele origin: inherited. Affected: yes. Observed: 1 heterozygote.

Blueprint Genetics
Classification: Likely pathogenic for FLG-related disorders. Last evaluated: 2024-02-19. Review status: criteria provided, single submitter. Criteria: ACMG Guidelines, 2015. Collection method: clinical testing. Allele origin: germline. Affected: yes. Observed: 5 variant alleles.

Genome-Nilou Lab
Classification: Likely pathogenic for Ichthyosis vulgaris. Last evaluated: 2023-04-11. Review status: criteria provided, single submitter. Criteria: ACMG Guidelines, 2015. Collection method: clinical testing. Allele origin: germline. Affected: no.

Pittsburgh Clinical Genomics Laboratory, University of Pittsburgh Medical Center
Classification: Pathogenic for Ichthyosis vulgaris. Last evaluated: 2023-02-22. Review status: criteria provided, single submitter. Criteria: ACMG Guidelines, 2015. Collection method: clinical testing. Allele origin: germline. Inheritance: Autosomal unknown. Affected: yes.
Comment: This sequence variant is a single base substitution (C>G) at coding nucleotide 9947 that replaces a serine codon with a premature termition sigl in exon 3 of 3 of the FLG gene. This variant is expected to truncate the FLG encoded profilaggrin protein thereby disrupting C termil domain; loss of the C termil domain prevents processing profilaggrin into filaggrin monomers, generating a loss of function variant (PMID: 17417636, 22071473). This previously reported (ClinVar), well-documented variant is associated with atopic dermatitis (PMID: 29428354, 29791750, 32066784). This variant is present in 201/282836 alleles (0.07%), including 5 homozygotes, in the gnomAD control population dataset. Given the available information, we consider this variant to be pathogenic. ACMG Criteria: PS4, PVS1

Dasa
Classification: Pathogenic for Ichthyosis vulgaris. Last evaluated: 2022-11-03. Review status: criteria provided, single submitter. Criteria: ACMG Guidelines, 2015. Collection method: clinical testing. Allele origin: germline. Observed: 1 variant allele.
Comment: The c.9947C>G;p.(Ser3316*) variant creates a premature translational stop signal in the FLG gene. It is expected to result in an absent or disrupted protein product - PVS1. This sequence change has been observed in affected individual(s) and ClinVar contains an entry for this variant (ClinVar ID: 279933; PMID: 29428354, PMID: 29791750) - PS4. The variant is present at low allele frequencies population databases (rs149484917 – gnomAD 0.007107%; ABraOM 0.001708 frequency) - PM2_supporting. In summary, the currently available evidence indicates that the variant is pathogenic.

Laboratorio de Genetica e Diagnostico Molecular, Hospital Israelita Albert Einstein
Classification: Likely pathogenic for Dermatitis, atopic, 2. Last evaluated: 2022-10-12. Review status: criteria provided, single submitter. Criteria: ACMG Guidelines, 2015. Collection method: clinical testing. Allele origin: germline. Affected: yes. Observed: 1 variant allele.
Comment: ACMG classification criteria: PVS1 strong, PM3 moderated

Mendelics
Classification: Pathogenic for Ichthyosis vulgaris. Last evaluated: 2022-05-04. Review status: criteria provided, single submitter. Criteria: Mendelics Assertion Criteria 2019. Collection method: clinical testing. Allele origin: germline.

GeneDx
Classification: Pathogenic. Last evaluated: 2022-03-15. Review status: criteria provided, single submitter. Criteria: GeneDx Variant Classification Process June 2021. Collection method: clinical testing. Allele origin: germline. Affected: yes.
Comment: Nonsense variant in the C-terminus predicted to result in protein truncation as the last 746 amino acids are lost, and other loss-of-function variants have been reported downstream in the Human Gene Mutation Database (HGMD); This variant is associated with the following publications: (PMID: 25533962, 29791750, 29428354, 31589614, 31365035, 30739909)

Baylor Genetics
Classification: Pathogenic for Ichthyosis vulgaris. Last evaluated: 2022-02-25. Review status: criteria provided, single submitter. Criteria: ACMG Guidelines, 2015. Collection method: clinical testing. Allele origin: unknown.

Department of Pathology and Laboratory Medicine, Sinai Health System
Classification: Likely pathogenic for Ichthyosis vulgaris. Last evaluated: 2021-07-30. Review status: criteria provided, single submitter. Criteria: ACMG Guidelines, 2015. Collection method: research. Allele origin: germline.

Johns Hopkins Genomics, Johns Hopkins University
Classification: Likely pathogenic for Ichthyosis vulgaris. Last evaluated: 2020-04-01. Review status: criteria provided, single submitter. Criteria: ACMG Guidelines, 2015. Collection method: clinical testing. Allele origin: germline.
Comment: This nonsense variant in FLG is predicted to lead to a premature stop codon (PTC) in the last exon of the gene, likely escaping nonsense?mediated decay and resulting in a truncated protein product. Although the exact function of the C?terminal segment after this PTC is unclear, there are reports of disease?associated nonsense variants located downstream of c.9947C>G. This variant (rs149484917) is present in a large population dataset (gnomAD: 201/282836 total alelles; 0.07%; 5 homozygotes) and is considered one of the more common disease-associated variants in individuals with African ancestry. Not everyone with a disease?associated variant will develop this disorder, consistent with an increased frequency of this variant in controls from the African population (0.78%). This variant has been submitted twice to ClinVar. We consider the c.9947C>G variant to be likely pathogenic.

Reproductive Health Research and Development, BGI Genomics
Classification: Pathogenic for Ichthyosis vulgaris. Last evaluated: 2020-01-06. Review status: no assertion criteria provided. Collection method: curation. Allele origin: germline. Not counted in ClinVar's aggregate classification.
Comment: NM_002016.1: c.9947C>G in the FLG gene has an allele frequency of 0.008 in African subpopulation in the gnomAD database. The c.9947C>G (p.Ser3316*) variant is predicted to cause loss of normal protein function either through protein truncation or nonsense-mediated mRNA decay. This variant was reported to be one of the most common pathogenic variants in African population (PMID: 29428354). Taken together, we interprete this variant as Pathogenic/Likely pathogenic.ACMG/AMP criteria applied: PVS1; PM2; PS4.

Clinical Genetics DNA and cytogenetics Diagnostics Lab, Erasmus MC, Erasmus Medical Center
Classification: Pathogenic. Review status: no assertion criteria provided. Collection method: clinical testing. Allele origin: germline. Affected: yes. Study: VKGL Data-share Consensus. Not counted in ClinVar's aggregate classification.

Joint Genome Diagnostic Labs from Nijmegen and Maastricht, Radboudumc and MUMC+
Classification: Pathogenic. Review status: no assertion criteria provided. Collection method: clinical testing. Allele origin: germline. Affected: yes. Study: VKGL Data-share Consensus. Not counted in ClinVar's aggregate classification.

Literature cited by the submitters: PubMed 31372728 (cited by Ambry Genetics); PubMed 32066784 (cited by 3 submitters); PubMed 38564302 (cited by Ambry Genetics); PubMed 22071473 (cited by Pittsburgh Clinical Genomics Laboratory, University of Pittsburgh Medical Center); PubMed 17417636 (cited by Pittsburgh Clinical Genomics Laboratory, University of Pittsburgh Medical Center); PubMed 29428354 (cited by 3 submitters); PubMed 29791750 (cited by 3 submitters).

NM_002016.2(FLG):c.9947C>G (p.Ser3316Ter)

Genes: CCDST (cervical cancer associated DHX9 suppressive transcript; plus strand), FLG (filaggrin; minus strand). Cytogenetic location: 1q21.3.
Variant type: single nucleotide variant.
Coding change: c.9947C>G on transcript NM_002016.2 (MANE Select); coding-DNA position 9947, C replaced by G.
Protein change: p.Ser3316Ter; replaces serine 3316 with a stop codon.
Molecular consequence: nonsense.
Genome position (GRCh38, 1-based): chr1:152,304,939, G>C on the plus strand (C>G on the coding strand, the complement: FLG is on the minus strand). VCF-style: chr1-152304939-G-C. GRCh37 (hg19) VCF-style: chr1-152277415-G-C.
Other names: short protein forms S3316*.
Identifiers: ClinVar variation 279933 (VCV000279933.23), dbSNP rs149484917, ClinGen allele CA1103615.